The following is an entry in ClinVar:

ClinVar aggregate classification (germline): Benign/Likely benign. Review status: criteria provided, multiple submitters, no conflicts (2 of 4 stars). 10 submissions from 8 submitters: Benign (3); Likely benign (6). 1 of the submissions does not count toward it. Last evaluated 2026-06-01.

Conditions:
SPG11-related disorder. Also called: SPG11-related condition.
Amyotrophic lateral sclerosis type 5 (ALS5). Also called: AMYOTROPHIC LATERAL SCLEROSIS 5, JUVENILE. Identifiers: Orphanet 300605, MedGen C1865864, MONDO:0011196, OMIM 602099.
Charcot-Marie-Tooth disease axonal type 2X. Also called: CHARCOT-MARIE-TOOTH DISEASE, AXONAL, AUTOSOMAL RECESSIVE, TYPE 2X; CHARCOT-MARIE-TOOTH NEUROPATHY, TYPE 2X. Identifiers: Orphanet 466775, MedGen C5569024, MONDO:0014726, OMIM 616668.
Hereditary spastic paraplegia. Also called: Familial spastic paraparesis. Identifiers: Orphanet 685, MedGen C0037773, MONDO:0019064. Disease mechanism: loss of function.
Hereditary spastic paraplegia 11. Also called: Nakamura Osame syndrome; Autosomal recessive hereditary spastic paraplegia, mental impairment, and thin corpus callosum; SPASTIC PARAPLEGIA, AUTOSOMAL RECESSIVE, COMPLICATED, WITH THIN CORPUS CALLOSUM; SPASTIC PARAPLEGIA, AUTOSOMAL RECESSIVE, WITH MENTAL IMPAIRMENT AND THIN CORPUS CALLOSUM; Spastic paraplegia, mental retardation and thin corpus callosum; Spastic Paraplegia 11. Identifiers: Orphanet 2822, MedGen C1858479, MONDO:0011445, OMIM 604360.

Submissions (10):

CeGaT Center for Human Genetics Tuebingen
Classification: Likely benign. Last evaluated: 2026-06-01. Review status: criteria provided, single submitter. Criteria: CeGaT Center For Human Genetics Tuebingen Variant Classification Criteria Version 2. Collection method: clinical testing. Allele origin: germline. Affected: yes. Observed: 5 variant alleles.
Comment: SPG11: BP4

Labcorp Genetics (formerly Invitae), Labcorp
Classification: Benign for Hereditary spastic paraplegia 11. Last evaluated: 2026-02-01. Review status: criteria provided, single submitter. Criteria: Invitae Variant Classification Sherloc (09022015). Collection method: clinical testing. Allele origin: germline.

Blueprint Genetics
Classification: Likely benign. Last evaluated: 2024-11-14. Review status: criteria provided, single submitter. Criteria: ACMG Guidelines, 2015. Collection method: clinical testing. Allele origin: germline.

Genome Diagnostics Laboratory, The Hospital for Sick Children
Classification: Likely benign for Hereditary spastic paraplegia. Last evaluated: 2021-04-09. Review status: criteria provided, single submitter. Criteria: ACMG Guidelines, 2015. Collection method: clinical testing. Allele origin: germline. Affected: yes.

GeneDx
Classification: Benign. Last evaluated: 2019-03-28. Review status: criteria provided, single submitter. Criteria: GeneDx Variant Classification Process June 2021. Collection method: clinical testing. Allele origin: germline. Affected: yes.

Mayo Clinic Laboratories, Mayo Clinic
Classification: Benign. Last evaluated: 2017-07-13. Review status: criteria provided, single submitter. Criteria: ACMG Guidelines, 2015. Collection method: clinical testing. Allele origin: germline. Observed: 8 variant alleles.

Genome-Nilou Lab
Classification: Likely benign for Amyotrophic lateral sclerosis type 5. Review status: criteria provided, single submitter. Criteria: ACMG Guidelines, 2015. Collection method: clinical testing. Allele origin: germline.

Genome-Nilou Lab
Classification: Likely benign for Charcot-Marie-Tooth disease axonal type 2X. Review status: criteria provided, single submitter. Criteria: ACMG Guidelines, 2015. Collection method: clinical testing. Allele origin: germline.

Genome-Nilou Lab
Classification: Likely benign for Hereditary spastic paraplegia 11. Review status: criteria provided, single submitter. Criteria: ACMG Guidelines, 2015. Collection method: clinical testing. Allele origin: germline.

PreventionGenetics, part of Exact Sciences
Classification: Benign for SPG11-related condition. Last evaluated: 2024-01-18. Review status: no assertion criteria provided. Collection method: clinical testing. Allele origin: germline. Not counted in ClinVar's aggregate classification.
Comment: This variant is classified as benign based on ACMG/AMP sequence variant interpretation guidelines (Richards et al. 2015 PMID: 25741868, with internal and published modifications).

NM_025137.4(SPG11):c.2621-15dup

Gene: SPG11 (SPG11 vesicle trafficking associated, spatacsin; minus strand). Cytogenetic location: 15q21.1.
Variant type: Duplication.
Coding change: c.2621-15dup on transcript NM_025137.4 (MANE Select); 15 bases into the intron before coding-DNA position 2621, one base duplicated (T; older notation c.2621-15dupT).
Molecular consequence: intron variant.
Genome position (GRCh38, 1-based): chr15:44,620,411, A duplicated on the plus strand (T on the coding strand, the reverse complement: SPG11 is on the minus strand); the first of 8 consecutive A bases (chr15:44,620,411-44,620,418); duplicating any one gives the same sequence. VCF-style (leftmost placement, unchanged base first): chr15-44620410-G-GA. GRCh37 (hg19) VCF-style: chr15-44912608-G-GA.
Other names: p.?; c.2621-8dup (NM_025137.4); c.2621-15dup (NM_001160227.2); c.2621-8dupT (NM_025137.3).
Identifiers: ClinVar variation 413993 (VCV000413993.43), dbSNP rs577083743, ClinGen allele CA7535173.
Genomic context (GRCh38, chr15:44,620,410, plus strand): 5'-CATGGCGAGCTGTGAGGTATCTCCAGAGGGCTTCAGGGGAATATGATTTGTATTCTACAT[G>GA]AAAAAAAACACATTTTAAAATATAATTAATTATGTCTATTGACATGTAACTCAACACTAA-3'